The following is an entry in ClinVar:

ClinVar aggregate classification (germline): Uncertain significance (1 of 4 stars; one submission).

Allele frequency attached by ClinVar (database versions not stated): ExAC 0.00002; gnomAD exomes below 0.00001; TOPMed 0.00002.
gnomAD v4.1: 5 of 1,210,777 alleles (0.00041%); highest among the groups gnomAD compares: African/African-American, 0.0017%; no homozygotes.

Submission:

GeneDx
Classification: Uncertain significance. Last evaluated: 2025-08-22. Review status: criteria provided, single submitter. Criteria: GeneDx Variant Classification Process June 2021. Collection method: clinical testing. Allele origin: germline.
Comment: In silico analysis supports that this missense variant has a deleterious effect on protein structure/function; Has not been previously published as pathogenic or benign to our knowledge

NM_031407.7(HUWE1):c.13001G>A (p.Arg4334His)

Gene: HUWE1 (HECT, UBA and WWE domain containing E3 ubiquitin protein ligase 1; minus strand). Cytogenetic location: Xp11.22.
Variant type: single nucleotide variant.
Coding change: c.13001G>A on transcript NM_031407.7 (MANE Select); coding-DNA position 13001, G replaced by A.
Protein change: p.Arg4334His; replaces arginine 4334 with histidine.
Molecular consequence: missense variant.
Genome position (GRCh38, 1-based): chrX:53,534,028, C>T on the plus strand (G>A on the coding strand, the complement: HUWE1 is on the minus strand). VCF-style: chrX-53534028-C-T. GRCh37 (hg19) VCF-style: chrX-53560989-C-T.
Other names: short protein forms R4334H.
Identifiers: ClinVar variation 2504944 (VCV002504944.2), dbSNP rs781927085, ClinGen allele CA10421108.
Genomic context (GRCh38, chrX:53,534,028, plus strand): 5'-CCTAAGCACTGAAAAGGAGAAACAAACCCTTCCTTTTACCATGTGTGAGCTGAAGGCAGG[C>T]GATCTGTGGACCTGTCATCTCGATGGATCTGAAACTTCTGAATGCCATTCATGCCTTCGA-3'
Protein context (NP_113584.3, residues 4324-4344): QIHRDDRSTD[Arg4334His]LPSAHTCFNQ